The following is an entry in ClinVar:

NM_007186.6(CEP250):c.1990C>G (p.Leu664Val)

Genes: CEP250 (centrosomal protein 250; plus strand), CEP250-AS1 (CEP250 antisense RNA 1; minus strand). Cytogenetic location: 20q11.22.
Variant type: single nucleotide variant.
Coding change: c.1990C>G on transcript NM_007186.6 (MANE Select); coding-DNA position 1990, C replaced by G.
Protein change: p.Leu664Val; replaces leucine 664 with valine.
Molecular consequence: missense variant.
Genome position (GRCh38, 1-based): chr20:35,477,997, C>G. VCF-style: chr20-35477997-C-G. GRCh37 (hg19) VCF-style: chr20-34065822-C-G.
Other names: c.94C>G, p.Leu32Val (NM_001318219.1); short protein forms L664V, L32V.
Identifiers: ClinVar variation 961423 (VCV000961423.8), dbSNP rs2063222260, ClinGen allele CA408766414.

ClinVar aggregate classification (germline): Uncertain significance (1 of 4 stars; one submission).

Submission:

Labcorp Genetics (formerly Invitae), Labcorp
Classification: Uncertain significance. Last evaluated: 2021-06-17. Review status: criteria provided, single submitter. Criteria: Invitae Variant Classification Sherloc (09022015). Collection method: clinical testing. Allele origin: germline.
Comment: This variant has not been reported in the literature in individuals with CEP250-related conditions. This sequence change replaces leucine with valine at codon 664 of the CEP250 protein (p.Leu664Val). The leucine residue is moderately conserved and there is a small physicochemical difference between leucine and valine. This variant is not present in population databases (ExAC no frequency). Algorithms developed to predict the effect of missense changes on protein structure and function are either unavailable or do not agree on the potential impact of this missense change (SIFT: "Tolerated"; PolyPhen-2: "Probably Damaging"; Align-GVGD: "Class C0"). In summary, the available evidence is currently insufficient to determine the role of this variant in disease. Therefore, it has been classified as a Variant of Uncertain Significance.